The following is an entry in ClinVar:

NM_001276270.2(MBD4):c.1002_1005del (p.Lys335fs)

Gene: MBD4 (methyl-CpG binding domain 4, DNA glycosylase; minus strand). Cytogenetic location: 3q21.3.
Variant type: Deletion.
Coding change: c.1002_1005del on transcript NM_001276270.2 (MANE Select); coding-DNA positions 1002 to 1005, 4 bases deleted (CAAA; older notation c.1002_1005delCAAA).
Protein change: p.Lys335fs; shifts the reading frame from lysine 335.
Molecular consequence: frameshift variant. On other transcripts: intron variant (1).
Genome position (GRCh38, 1-based): chr3:129,436,639-129,436,642, TTTG deleted on the plus strand (CAAA on the coding strand, the reverse complement: MBD4 is on the minus strand); deleting any 4 consecutive bases within chr3:129,436,639-129,436,645 gives the same sequence; the c. name uses the placement nearest the transcript's 3' end. VCF-style (leftmost placement, unchanged base first): chr3-129436638-ATTTG-A. GRCh37 (hg19) VCF-style: chr3-129155481-ATTTG-A.
Other names: c.1002_1005del, p.Lys335fs (NM_001276271.2, NM_001276272.2, NM_003925.3); c.247+1166_247+1169del (NM_001276273.2); c.1002_1005delCAAA (NM_001276270.2); short protein forms K335fs.
Identifiers: ClinVar variation 2785228 (VCV002785228.5), dbSNP rs1443006605, ClinGen allele CA546417490.

ClinVar aggregate classification (germline): Pathogenic. Review status: criteria provided, multiple submitters, no conflicts (2 of 4 stars). 3 submissions from 3 submitters: Pathogenic (3). Last evaluated 2026-02-04.

Conditions:
Inborn genetic diseases. Identifiers: MedGen C0950123, MeSH D030342.
Tumor predisposition syndrome 2 (TPDS2). Also called: MBD4-ASSOCIATED NEOPLASIA SYNDROME; MBD4-Related Tumor Predisposition Syndrome; MBD4-associated neoplasia syndrome (MANS). Identifiers: Orphanet 661526, MedGen C5774186, MONDO:0859267, OMIM 619975.

Submissions (3):

Myriad Genetics, Inc.
Classification: Pathogenic for Tumor predisposition syndrome 2. Last evaluated: 2026-02-04. Review status: criteria provided, single submitter. Criteria: Myriad Autosomal Dominant, Autosomal Recessive and X-Linked Classification Criteria (2023). Collection method: clinical testing. Allele origin: unknown.
Comment: This variant is considered pathogenic. This variant creates a frameshift predicted to result in premature protein truncation.

Ambry Genetics
Classification: Pathogenic for Inborn genetic diseases. Last evaluated: 2024-12-20. Review status: criteria provided, single submitter. Criteria: Ambry Variant Classification Scheme 2023. Collection method: clinical testing. Allele origin: germline.
Comment: The c.1002_1005delCAAA pathogenic mutation, located in coding exon 3 of the MBD4 gene, results from a deletion of 4 nucleotides at nucleotide positions 1002 to 1005, causing a translational frameshift with a predicted alternate stop codon (p.K335Ffs*18). This alteration is expected to result in loss of function by premature protein truncation or nonsense-mediated mRNA decay. As such, this alteration is interpreted as a disease-causing mutation.

Labcorp Genetics (formerly Invitae), Labcorp
Classification: Pathogenic. Last evaluated: 2024-12-03. Review status: criteria provided, single submitter. Criteria: Invitae Variant Classification Sherloc (09022015). Collection method: clinical testing. Allele origin: germline.
Comment: This sequence change creates a premature translational stop signal (p.Lys335Phefs*18) in the MBD4 gene. It is expected to result in an absent or disrupted protein product. Loss-of-function variants in MBD4 are known to be pathogenic (PMID: 30049810, 35460607). This variant is present in population databases (no rsID available, gnomAD 0.006%). This variant has not been reported in the literature in individuals affected with MBD4-related conditions. ClinVar contains an entry for this variant (Variation ID: 2785228). For these reasons, this variant has been classified as Pathogenic.

Literature cited by the submitters: PubMed 30049810 (cited by Labcorp Genetics (formerly Invitae), Labcorp); PubMed 35460607 (cited by Labcorp Genetics (formerly Invitae), Labcorp).